The following is an entry in ClinVar:

NM_182916.3(TRNT1):c.443C>G (p.Ala148Gly)

Gene: TRNT1 (tRNA nucleotidyl transferase 1; plus strand). Cytogenetic location: 3p26.2.
Variant type: single nucleotide variant.
Coding change: c.443C>G on transcript NM_182916.3 (MANE Select); coding-DNA position 443, C replaced by G.
Protein change: p.Ala148Gly; replaces alanine 148 with glycine.
Molecular consequence: missense variant. On other transcripts: non-coding transcript variant (6).
Genome position (GRCh38, 1-based): chr3:3,140,610, C>G. VCF-style: chr3-3140610-C-G. GRCh37 (hg19) VCF-style: chr3-3182294-C-G.
Other names: c.443C>G, p.Ala148Gly (NM_001302946.2, NM_001367321.1, NM_001367322.1 and 1 more transcripts); short protein forms A148G.
Identifiers: ClinVar variation 1973051 (VCV001973051.5), dbSNP rs761516140, ClinGen allele CA351444200.

ClinVar aggregate classification (germline): Uncertain significance (1 of 4 stars; one submission).

Conditions:
Congenital sideroblastic anemia-B-cell immunodeficiency-periodic fever-developmental delay syndrome. Also called: Sideroblastic anemia with B-cell immunodeficiency, periodic fevers, and developmental delay. Identifiers: Orphanet 369861, MedGen C4015172, MONDO:0014487, OMIM 616084.

Allele frequency attached by ClinVar (database versions not stated): gnomAD 0.00003.
gnomAD v4.1: 11 of 1,613,910 alleles (0.00068%); highest among the groups gnomAD compares: African/African-American, 0.004%; no homozygotes.

Submission:

Labcorp Genetics (formerly Invitae), Labcorp
Classification: Uncertain significance for Congenital sideroblastic anemia-B-cell immunodeficiency-periodic fever-developmental delay syndrome. Last evaluated: 2022-03-20. Review status: criteria provided, single submitter. Criteria: Invitae Variant Classification Sherloc (09022015). Collection method: clinical testing. Allele origin: germline.
Comment: In summary, the available evidence is currently insufficient to determine the role of this variant in disease. Therefore, it has been classified as a Variant of Uncertain Significance. This variant disrupts the p.Ala148 amino acid residue in TRNT1. Other variant(s) that disrupt this residue have been determined to be pathogenic (PMID: 25652405, 31019026). This suggests that this residue is clinically significant, and that variants that disrupt this residue are likely to be disease-causing. Algorithms developed to predict the effect of sequence changes on RNA splicing suggest that this variant may disrupt the consensus splice site. Algorithms developed to predict the effect of missense changes on protein structure and function (SIFT, PolyPhen-2, Align-GVGD) all suggest that this variant is likely to be disruptive. This variant has not been reported in the literature in individuals affected with TRNT1-related conditions. This variant is present in population databases (no rsID available, gnomAD 0.0009%). This sequence change replaces alanine, which is neutral and non-polar, with glycine, which is neutral and non-polar, at codon 148 of the TRNT1 protein (p.Ala148Gly).

Literature cited by the submitters: PubMed 25652405; PubMed 31019026.